The following is an entry in ClinVar:

NM_139318.5(KCNH5):c.611C>T (p.Pro204Leu)

Gene: KCNH5 (potassium voltage-gated channel subfamily H member 5; minus strand). Cytogenetic location: 14q23.2.
Variant type: single nucleotide variant.
Coding change: c.611C>T on transcript NM_139318.5 (MANE Select); coding-DNA position 611, C replaced by T.
Protein change: p.Pro204Leu; replaces proline 204 with leucine.
Molecular consequence: missense variant.
Genome position (GRCh38, 1-based): chr14:62,981,203, G>A on the plus strand (C>T on the coding strand, the complement: KCNH5 is on the minus strand). VCF-style: chr14-62981203-G-A. GRCh37 (hg19) VCF-style: chr14-63447921-G-A.
Other names: c.611C>T, p.Pro204Leu (NM_172375.3); short protein forms P204L.
Identifiers: ClinVar variation 530445 (VCV000530445.9), dbSNP rs776842795, ClinGen allele CA7217614.

ClinVar aggregate classification (germline): Uncertain significance (1 of 4 stars; one submission).

Conditions:
Early-infantile DEE. Also called: Early infantile epileptic encephalopathy; Early infantile epileptic encephalopathy with suppression bursts; Ohtahara syndrome. Identifiers: Orphanet 1934, MedGen C0393706, MONDO:0800491.

Allele frequency attached by ClinVar (database versions not stated): gnomAD exomes below 0.00001.
gnomAD v4.1: 1 of 1,614,060 alleles (0.000062%); highest among the groups gnomAD compares: Admixed American, 0.0017%; no homozygotes.

Submission:

Labcorp Genetics (formerly Invitae), Labcorp
Classification: Uncertain significance for Early-infantile DEE. Last evaluated: 2021-07-28. Review status: criteria provided, single submitter. Criteria: Invitae Variant Classification Sherloc (09022015). Collection method: clinical testing. Allele origin: germline.
Comment: In summary, the available evidence is currently insufficient to determine the role of this variant in disease. Therefore, it has been classified as a Variant of Uncertain Significance. Algorithms developed to predict the effect of missense changes on protein structure and function (SIFT, PolyPhen-2, Align-GVGD) all suggest that this variant is likely to be disruptive, but these predictions have not been confirmed by published functional studies and their clinical significance is uncertain. This variant has not been reported in the literature in individuals with KCNH5-related disease. This variant is present in population databases (rs776842795, ExAC 0.009%). This sequence change replaces proline with leucine at codon 204 of the KCNH5 protein (p.Pro204Leu). The proline residue is highly conserved and there is a moderate physicochemical difference between proline and leucine.